The following is an entry in ClinVar:

NM_148919.4(PSMB8):c.240C>G (p.Phe80Leu)

Gene: PSMB8 (proteasome 20S subunit beta 8; minus strand). Cytogenetic location: 6p21.32.
Variant type: single nucleotide variant.
Coding change: c.240C>G on transcript NM_148919.4 (MANE Select); coding-DNA position 240, C replaced by G.
Protein change: p.Phe80Leu; replaces phenylalanine 80 with leucine.
Molecular consequence: missense variant.
Genome position (GRCh38, 1-based): chr6:32,842,997, G>C on the plus strand (C>G on the coding strand, the complement: PSMB8 is on the minus strand). VCF-style: chr6-32842997-G-C. GRCh37 (hg19) VCF-style: chr6-32810774-G-C.
Other names: c.228C>G, p.Phe76Leu (LRG_1328t2, NM_004159.5); c.240C>G, p.Phe80Leu (LRG_1328t1); short protein forms F76L, F80L.
Identifiers: ClinVar variation 643533 (VCV000643533.7), dbSNP rs529946385, ClinGen allele CA3746456.

ClinVar aggregate classification (germline): Uncertain significance. Review status: criteria provided, multiple submitters, no conflicts (2 of 4 stars). 2 submissions from 2 submitters: Uncertain significance (2). Last evaluated 2025-08-28.

Conditions:
Inborn genetic diseases. Identifiers: MedGen C0950123, MeSH D030342.
Proteasome-associated autoinflammatory syndrome 1 (PRAAS1). Also called: AUTOINFLAMMATION, LIPODYSTROPHY, AND DERMATOSIS SYNDROME; NAKAJO-NISHIMURA SYNDROME; CHRONIC ATYPICAL NEUTROPHILIC DERMATOSIS WITH LIPODYSTROPHY AND ELEVATED TEMPERATURE SYNDROME; Nakajo syndrome; JOINT CONTRACTURES, MUSCULAR ATROPHY, MICROCYTIC ANEMIA, AND PANNICULITIS-INDUCED LIPODYSTROPHY; JMP SYNDROME. Identifiers: Orphanet 2615, Orphanet 324977, Orphanet 324999, Orphanet 325004, MedGen C4746851, MONDO:0054698, OMIM 256040.

Allele frequency attached by ClinVar (database versions not stated): TOPMed 0.00004; gnomAD 0.00006.
gnomAD v4.1: 146 of 1,613,012 alleles (0.0091%); highest among the groups gnomAD compares: Non-Finnish European, 0.012%; no homozygotes.

Submissions (2):

Ambry Genetics
Classification: Uncertain significance for Inborn genetic diseases. Last evaluated: 2025-08-28. Review status: criteria provided, single submitter. Criteria: Ambry Variant Classification Scheme 2023. Collection method: clinical testing. Allele origin: germline.

Labcorp Genetics (formerly Invitae), Labcorp
Classification: Uncertain significance for Proteosome-associated autoinflammatory syndrome. Last evaluated: 2022-08-23. Review status: criteria provided, single submitter. Criteria: Invitae Variant Classification Sherloc (09022015). Collection method: clinical testing. Allele origin: germline.
Comment: This sequence change replaces phenylalanine, which is neutral and non-polar, with leucine, which is neutral and non-polar, at codon 80 of the PSMB8 protein (p.Phe80Leu). This variant is present in population databases (rs529946385, gnomAD 0.008%). This variant has not been reported in the literature in individuals affected with PSMB8-related conditions. ClinVar contains an entry for this variant (Variation ID: 643533). Algorithms developed to predict the effect of missense changes on protein structure and function are either unavailable or do not agree on the potential impact of this missense change (SIFT: "Deleterious"; PolyPhen-2: "Possibly Damaging"; Align-GVGD: "Class C0"). In summary, the available evidence is currently insufficient to determine the role of this variant in disease. Therefore, it has been classified as a Variant of Uncertain Significance.